The following is an entry in ClinVar:

ClinVar aggregate classification (germline): Uncertain significance (1 of 4 stars; one submission).

Conditions:
Arrhythmogenic right ventricular dysplasia 12. Also called: ARRHYTHMOGENIC RIGHT VENTRICULAR DYSPLASIA, FAMILIAL, 12. Identifiers: MedGen C1969081, MONDO:0012684, OMIM 611528.

Submission:

Helix
Classification: Uncertain significance for Arrhythmogenic right ventricular dysplasia 12. Last evaluated: 2026-06-25. Review status: criteria provided, single submitter. Criteria: ACMG Guidelines, 2015. Collection method: clinical testing. Allele origin: germline. Inheritance: Autosomal dominant inheritance.
Comment: This variant (NM_002230.4:c.1237G>A p.Gly413Ser) results in the substitution of glycine with serine at codon 413 in the JUP protein. It is a rare variant that is absent from the large gnomAD population database (v4.1). To our knowledge, this variant has not been reported in individuals with JUP-related conditions in the published literature. In silico prediction from REVEL (PMID: 27666373) is indeterminate. In conclusion, since the available evidence is limited, the clinical significance of this variant is unclear at this time. Therefore, it is classified as a Variant of Uncertain Significance.

NM_002230.4(JUP):c.1237G>A (p.Gly413Ser)

Gene: JUP (junction plakoglobin; minus strand). Cytogenetic location: 17q21.2.
Variant type: single nucleotide variant.
Coding change: c.1237G>A on transcript NM_002230.4 (MANE Select); coding-DNA position 1237, G replaced by A.
Protein change: p.Gly413Ser; replaces glycine 413 with serine.
Molecular consequence: missense variant.
Genome position (GRCh38, 1-based): chr17:41,763,243, C>T on the plus strand (G>A on the coding strand, the complement: JUP is on the minus strand). VCF-style: chr17-41763243-C-T. GRCh37 (hg19) VCF-style: chr17-39919495-C-T.
Other names: c.1237G>A, p.Gly413Ser (NM_001352773.2, NM_001352774.2, NM_001352775.2 and 3 more transcripts); short protein forms G413S.
Identifiers: ClinVar variation 4890800 (VCV004890800.1).